The following is an entry in ClinVar:

NM_000548.5(TSC2):c.5200G>A (p.Asp1734Asn)

Gene: TSC2 (TSC complex subunit 2; plus strand). Cytogenetic location: 16p13.3.
Variant type: single nucleotide variant.
Coding change: c.5200G>A on transcript NM_000548.5 (MANE Select); coding-DNA position 5200, G replaced by A.
Protein change: p.Asp1734Asn; replaces aspartic acid 1734 with asparagine.
Molecular consequence: missense variant.
Genome position (GRCh38, 1-based): chr16:2,088,266, G>A. VCF-style: chr16-2088266-G-A. GRCh37 (hg19) VCF-style: chr16-2138267-G-A.
Other names: c.4999G>A, p.Asp1667Asn (NM_001077183.3); c.5131G>A, p.Asp1711Asn (NM_001114382.3); c.4891G>A, p.Asp1631Asn (NM_001318827.2); c.4855G>A, p.Asp1619Asn (NM_001318829.2); c.4468G>A, p.Asp1490Asn (NM_001318831.2); c.5032G>A, p.Asp1678Asn (NM_001318832.2); c.5002G>A, p.Asp1668Asn (NM_001363528.2); c.5068G>A, p.Asp1690Asn (NM_001370404.1); and 3 more; short protein forms D1734N, D1619N, D1668N, D1678N, D1687N, D1690N, D1490N, D1667N.
Identifiers: ClinVar variation 536037 (VCV000536037.23), dbSNP rs751990617, ClinGen allele CA054398.

ClinVar aggregate classification (germline): Conflicting classifications of pathogenicity. Review status: criteria provided, conflicting classifications (1 of 4 stars). 6 submissions from 6 submitters: Uncertain significance (3); Likely benign (3). Last evaluated 2026-06-27.

Conditions:
Hereditary cancer-predisposing syndrome. Also called: Tumor predisposition; Hereditary neoplastic syndrome; Neoplastic Syndromes, Hereditary; Hereditary Cancer Syndrome. Identifiers: Orphanet 140162, MedGen C0027672, MeSH D009386, MONDO:0015356.
Tuberous sclerosis 2 (TSC2). Identifiers: Orphanet 805, MedGen C1860707, MONDO:0013199, OMIM 613254.
TSC2-related disorder. Also called: TSC2-related condition; TSC2-Related Disorders.
Tuberous sclerosis syndrome (TSC). Also called: Tuberous Sclerosis Complex; Tuberous sclerosis. Identifiers: Orphanet 805, MedGen C0041341, MONDO:0001734.

Allele frequency attached by ClinVar (database versions not stated): ExAC 0.00001; gnomAD exomes 0.00001 and 0.00003; gnomAD 0.00013.
gnomAD v4.1: 51 of 1,612,964 alleles (0.0032%); highest among the groups gnomAD compares: Admixed American, 0.0033%; no homozygotes.

Submissions (6):

PreventionGenetics, part of Exact Sciences
Classification: Uncertain significance for TSC2-related condition. Last evaluated: 2026-06-27. Review status: criteria provided, single submitter. Criteria: ACMG Guidelines, 2015. Collection method: clinical testing. Allele origin: germline.
Comment: The TSC2 c.5200G>A variant is predicted to result in the amino acid substitution p.Asp1734Asn. This variant was reported in an individual with colorectal cancer (Zhang et al. 2015. PubMed ID: 25892863) and in an individual with pancreatic cancer (Table S2, Cheng et al. 2024. PubMed ID: 38350919). This variant is reported in 0.0080% of alleles in individuals of European (Finnish) descent in gnomAD and has conflicting interpretations of pathogenicity in ClinVar of uncertain significance and likely benign (Variation ID: 536037). At this time, the clinical significance of this variant is uncertain due to the absence of conclusive functional and genetic evidence.

Ambry Genetics
Classification: Likely benign for Hereditary cancer-predisposing syndrome. Last evaluated: 2026-04-13. Review status: criteria provided, single submitter. Criteria: Ambry Variant Classification Scheme 2023. Collection method: clinical testing. Allele origin: germline.

Labcorp Genetics (formerly Invitae), Labcorp
Classification: Likely benign for Tuberous sclerosis 2. Last evaluated: 2025-11-23. Review status: criteria provided, single submitter. Criteria: Invitae Variant Classification Sherloc (09022015). Collection method: clinical testing. Allele origin: germline.

Color Diagnostics, LLC DBA Color Health
Classification: Uncertain significance for Tuberous sclerosis syndrome. Last evaluated: 2024-05-15. Review status: criteria provided, single submitter. Criteria: ACMG Guidelines, 2015. Collection method: clinical testing. Allele origin: germline.
Comment: This missense variant replaces aspartic acid with asparagine at codon 1734 of the TSC2 protein. Computational prediction is inconclusive regarding the impact of this variant on protein structure and function. To our knowledge, functional studies have not been reported for this variant. This variant has not been reported in individuals affected with TSC2-related disorders in the literature. This variant has been identified in 6/281954 chromosomes in the general population by the Genome Aggregation Database (gnomAD). The available evidence is insufficient to determine the role of this variant in disease conclusively. Therefore, this variant is classified as a Variant of Uncertain Significance.

Clinical Genomics Laboratory, Washington University in St. Louis
Classification: Uncertain significance for Tuberous sclerosis. Last evaluated: 2023-08-06. Review status: criteria provided, single submitter. Criteria: ACMG Guidelines, 2015. Collection method: clinical testing. Allele origin: germline.
Comment: The TSC2 c.5200G>A (p.Asp1734Asn) variant has been reported in one individual affected with colorectal cancer (Zhang JX et al., PMID: 25892863). This variant has been classified in the ClinVar database as likely benign by two submitters and uncertain significance by one submitter (ClinVar ID 536037). TSC2 c.5200G>A (p.Asp1734Asn) is only observed on 4/152196 alleles in the general population (gnomAD v.2.1.1), indicating it is not a common variant. Computational predictors indicate that the variant is damaging, evidence that correlates with impact to TSC2 protein function. Due to limited information, and based on ACMG/AMP guidelines for variant interpretation (Richards S et al., PMID: 25741868), the clinical significance of this variant is uncertain.

Genome-Nilou Lab
Classification: Likely benign for Tuberous sclerosis 2. Last evaluated: 2021-11-07. Review status: criteria provided, single submitter. Criteria: ACMG Guidelines, 2015. Collection method: clinical testing. Allele origin: germline. Affected: no.

Literature cited by the submitters: PubMed 25892863 (cited by Ambry Genetics); PubMed 26637798 (cited by Ambry Genetics).